The following is an entry in ClinVar:

ClinVar aggregate classification (germline): Uncertain significance (1 of 4 stars; one submission).

Conditions:
Hereditary spastic paraplegia 7 (SPG7). Also called: SPG7-related neurologic disorder; Spastic paraplegia 7; Hereditary spastic paraplegia Paraplegin type; Autosomal recessive spastic paraplegia type 7; SPASTIC PARAPLEGIA 7, AUTOSOMAL RECESSIVE, WITH OR WITHOUT CEREBELLAR ATAXIA. Identifiers: Orphanet 99013, MedGen C1846564, MONDO:0011803, OMIM 607259.

Allele frequency attached by ClinVar (database versions not stated): ExAC 0.00002; gnomAD 0.00002; gnomAD exomes 0.00004; TOPMed 0.00004.
gnomAD v4.1: 64 of 1,599,720 alleles (0.004%); highest among the groups gnomAD compares: Admixed American, 0.0067%; no homozygotes.

Submission:

Labcorp Genetics (formerly Invitae), Labcorp
Classification: Uncertain significance for Hereditary spastic paraplegia 7. Last evaluated: 2023-12-22. Review status: criteria provided, single submitter. Criteria: Invitae Variant Classification Sherloc (09022015). Collection method: clinical testing. Allele origin: germline.
Comment: This sequence change affects codon 287 of the SPG7 mRNA. It is a 'silent' change, meaning that it does not change the encoded amino acid sequence of the SPG7 protein. It affects a nucleotide within the consensus splice site. The frequency data for this variant in the population databases is considered unreliable, as metrics indicate poor data quality at this position in the gnomAD database. This variant has not been reported in the literature in individuals affected with SPG7-related conditions. Algorithms developed to predict the effect of sequence changes on RNA splicing suggest that this variant is not likely to affect RNA splicing. In summary, the available evidence is currently insufficient to determine the role of this variant in disease. Therefore, it has been classified as a Variant of Uncertain Significance.

NM_003119.4(SPG7):c.861T>C (p.Phe287=)

Gene: SPG7 (SPG7 matrix AAA peptidase subunit, paraplegin; plus strand). Cytogenetic location: 16q24.3.
Variant type: single nucleotide variant.
Coding change: c.861T>C on transcript NM_003119.4 (MANE Select); coding-DNA position 861, T replaced by C.
Protein change: p.Phe287=; no amino-acid change (phenylalanine 287 retained).
Molecular consequence: synonymous variant.
Genome position (GRCh38, 1-based): chr16:89,529,579, T>C. VCF-style: chr16-89529579-T-C. GRCh37 (hg19) VCF-style: chr16-89595987-T-C.
Other names: c.861T>C, p.Phe287= (NM_001363850.1, NM_199367.3).
Identifiers: ClinVar variation 2898676 (VCV002898676.3), dbSNP rs776495713, ClinGen allele CA8243801.